The following is an entry in ClinVar:

NM_000394.4(CRYAA):c.*103C>T

Gene: CRYAA (crystallin alpha A; plus strand). Cytogenetic location: 21q22.3.
Variant type: single nucleotide variant.
Coding change: c.*103C>T on transcript NM_000394.4 (MANE Select); 103 bases downstream of the stop codon, C replaced by T.
Molecular consequence: 3 prime UTR variant.
Genome position (GRCh38, 1-based): chr21:43,172,383, C>T. VCF-style: chr21-43172383-C-T. GRCh37 (hg19) VCF-style: chr21-44592493-C-T.
Other names: c.*103C>T (NM_001363766.1).
Identifiers: ClinVar variation 340106 (VCV000340106.6), dbSNP rs537385698, ClinGen allele CA10653013.

ClinVar aggregate classification (germline): Likely benign. Review status: criteria provided, multiple submitters, no conflicts (2 of 4 stars). 2 submissions from 2 submitters: Likely benign (2). Last evaluated 2018-01-13.

Conditions:
Cataract 9 multiple types. Also called: Cataract 9, multiple types, with or without microcornea; Cataract, autosomal recessive congenital 1. Identifiers: Orphanet 1377, MedGen C1858679, MONDO:0011413, OMIM 604219.

Allele frequency attached by ClinVar (database versions not stated): 1000 Genomes Project 0.00319; gnomAD 0.00410.

Submissions (2):

Illumina Laboratory Services, Illumina
Classification: Likely benign for Cataract 9 multiple types. Last evaluated: 2018-01-13. Review status: criteria provided, single submitter. Criteria: ICSL Variant Classification Criteria 13 December 2019. Collection method: clinical testing. Allele origin: germline.
Comment: This variant was observed in the ICSL laboratory as part of a predisposition screen in an ostensibly healthy population. It had not been previously curated by ICSL or reported in the Human Gene Mutation Database (HGMD: prior to June 1st, 2018), and was therefore a candidate for classification through an automated scoring system. Utilizing variant allele frequency, disease prevalence and penetrance estimates, and inheritance mode, an automated score was calculated to assess if this variant is too frequent to cause the disease. Based on the score and internal cut-off values, a variant classified as likely benign is not then subjected to further curation. The score for this variant resulted in a classification of likely benign for this disease.

Breakthrough Genomics
Classification: Likely benign. Review status: criteria provided, single submitter. Criteria: ACMG Guidelines, 2015. Collection method: not provided. Allele origin: germline. Inheritance: Autosomal dominant inheritance. Affected: yes.